The following is an entry in ClinVar:

NM_002691.4(POLD1):c.2020C>G (p.Leu674Val)

Gene: POLD1 (DNA polymerase delta 1, catalytic subunit; plus strand). Cytogenetic location: 19q13.33.
Variant type: single nucleotide variant.
Coding change: c.2020C>G on transcript NM_002691.4 (MANE Select); coding-DNA position 2020, C replaced by G.
Protein change: p.Leu674Val; replaces leucine 674 with valine.
Molecular consequence: missense variant. On other transcripts: non-coding transcript variant (1).
Genome position (GRCh38, 1-based): chr19:50,409,532, C>G. VCF-style: chr19-50409532-C-G. GRCh37 (hg19) VCF-style: chr19-50912789-C-G.
Other names: c.2020C>G, p.Leu674Val (NM_001256849.1); c.2098C>G, p.Leu700Val (NM_001308632.1); short protein forms L674V, L700V.
Identifiers: ClinVar variation 3222708 (VCV003222708.1), dbSNP rs1409758237, ClinGen allele CA406982464.
Genomic context (GRCh38, chr19:50,409,532, plus strand): 5'-AATGCCCAGGTGCCGCCTGAGTGTGCTTTCCCCGTGTTCCCTCGCAGGGCCAAGGCCGAG[C>G]TGGCCAAGGAGACAGACCCCCTCCGGCGCCAGGTCCTGGATGGACGGCAGCTGGCGCTGA-3'
Protein context (NP_002682.2, residues 664-684): LSARKRAKAE[Leu674Val]AKETDPLRRQ

ClinVar aggregate classification (germline): Uncertain significance (1 of 4 stars; one submission).

Conditions:
Hereditary cancer-predisposing syndrome. Also called: Tumor predisposition; Hereditary neoplastic syndrome; Hereditary Cancer Syndrome; Neoplastic Syndromes, Hereditary. Identifiers: Orphanet 140162, MedGen C0027672, MeSH D009386, MONDO:0015356.

Submission:

Ambry Genetics
Classification: Uncertain significance for Hereditary cancer-predisposing syndrome. Last evaluated: 2023-10-15. Review status: criteria provided, single submitter. Criteria: Ambry Variant Classification Scheme 2023. Collection method: clinical testing. Allele origin: germline.
Comment: The p.L674V variant (also known as c.2020C>G), located in coding exon 16 of the POLD1 gene, results from a C to G substitution at nucleotide position 2020. The leucine at codon 674 is replaced by valine, an amino acid with highly similar properties. This amino acid position is conserved. In addition, this alteration is predicted to be tolerated by in silico analysis. Since supporting evidence is limited at this time, the clinical significance of this alteration remains unclear.